The following is an entry in ClinVar:

ClinVar aggregate classification (germline): Conflicting classifications of pathogenicity. Review status: criteria provided, conflicting classifications (1 of 4 stars). 2 submissions from 2 submitters: Uncertain significance (1); Likely benign (1). Last evaluated 2023-05-04.

Conditions:
Inborn genetic diseases. Identifiers: MedGen C0950123, MeSH D030342.

Allele frequency attached by ClinVar (database versions not stated): ExAC 0.00006; gnomAD exomes 0.00007; gnomAD 0.00008 and 0.00009; ESP Exome Variant Server 0.00015.
gnomAD v4.1: 107 of 1,613,684 alleles (0.0066%); highest among the groups gnomAD compares: Admixed American, 0.012%; no homozygotes.

Submissions (2):

Ambry Genetics
Classification: Likely benign for Inborn genetic diseases. Last evaluated: 2023-05-04. Review status: criteria provided, single submitter. Criteria: Ambry Variant Classification Scheme 2023. Collection method: clinical testing. Allele origin: germline.

Labcorp Genetics (formerly Invitae), Labcorp
Classification: Uncertain significance. Last evaluated: 2022-05-12. Review status: criteria provided, single submitter. Criteria: Invitae Variant Classification Sherloc (09022015). Collection method: clinical testing. Allele origin: germline.
Comment: This sequence change replaces arginine, which is basic and polar, with glutamine, which is neutral and polar, at codon 288 of the ADAMTS17 protein (p.Arg288Gln). This variant is present in population databases (rs143480636, gnomAD 0.01%). This variant has not been reported in the literature in individuals affected with ADAMTS17-related conditions. Algorithms developed to predict the effect of missense changes on protein structure and function output the following: SIFT: "Not Available"; PolyPhen-2: "Benign"; Align-GVGD: "Not Available". The glutamine amino acid residue is found in multiple mammalian species, which suggests that this missense change does not adversely affect protein function. In summary, the available evidence is currently insufficient to determine the role of this variant in disease. Therefore, it has been classified as a Variant of Uncertain Significance.

NM_139057.4(ADAMTS17):c.863G>A (p.Arg288Gln)

Gene: ADAMTS17 (ADAM metallopeptidase with thrombospondin type 1 motif 17; minus strand). Cytogenetic location: 15q26.3.
Variant type: single nucleotide variant.
Coding change: c.863G>A on transcript NM_139057.4 (MANE Select); coding-DNA position 863, G replaced by A.
Protein change: p.Arg288Gln; replaces arginine 288 with glutamine.
Molecular consequence: missense variant.
Genome position (GRCh38, 1-based): chr15:100,262,362, C>T on the plus strand (G>A on the coding strand, the complement: ADAMTS17 is on the minus strand). VCF-style: chr15-100262362-C-T. GRCh37 (hg19) VCF-style: chr15-100802567-C-T.
Other names: c.863G>A (NM_139057.2); short protein forms R288Q.
Identifiers: ClinVar variation 1414358 (VCV001414358.6), dbSNP rs143480636, ClinGen allele CA7758523.